The following is an entry in ClinVar:

NM_001378964.1(CDON):c.3100G>A (p.Gly1034Arg)

Gene: CDON (cell adhesion associated, oncogene regulated; minus strand). Cytogenetic location: 11q24.2.
Variant type: single nucleotide variant.
Coding change: c.3100G>A on transcript NM_001378964.1 (MANE Select); coding-DNA position 3100, G replaced by A.
Protein change: p.Gly1034Arg; replaces glycine 1034 with arginine.
Molecular consequence: missense variant.
Genome position (GRCh38, 1-based): chr11:125,981,225, C>T on the plus strand (G>A on the coding strand, the complement: CDON is on the minus strand). VCF-style: chr11-125981225-C-T. GRCh37 (hg19) VCF-style: chr11-125851120-C-T.
Other names: c.3100G>A, p.Gly1034Arg (NM_001243597.3, NM_016952.6); short protein forms G1034R.
Identifiers: ClinVar variation 1398759 (VCV001398759.8), dbSNP rs199957528, ClinGen allele CA6351509.

ClinVar aggregate classification (germline): Conflicting classifications of pathogenicity. Review status: criteria provided, conflicting classifications (1 of 4 stars). 3 submissions from 3 submitters: Uncertain significance (1); Likely benign (2). Last evaluated 2025-10-24.

Conditions:
Inborn genetic diseases. Identifiers: MedGen C0950123, MeSH D030342.
Holoprosencephaly 11 (HPE11). Identifiers: Orphanet 2162, MedGen C3280215, MONDO:0013642, OMIM 614226.

gnomAD v4.1: 90 of 1,614,032 alleles (0.0056%); highest among the groups gnomAD compares: Middle Eastern, 0.016%; no homozygotes.

Submissions (3):

Labcorp Genetics (formerly Invitae), Labcorp
Classification: Uncertain significance for Holoprosencephaly 11. Last evaluated: 2025-10-24. Review status: criteria provided, single submitter. Criteria: Invitae Variant Classification Sherloc (09022015). Collection method: clinical testing. Allele origin: germline.
Comment: This sequence change replaces glycine, which is neutral and non-polar, with arginine, which is basic and polar, at codon 1034 of the CDON protein (p.Gly1034Arg). This variant is present in population databases (rs199957528, gnomAD 0.07%). This variant has not been reported in the literature in individuals affected with CDON-related conditions. ClinVar contains an entry for this variant (Variation ID: 1398759). Invitae Evidence Modeling of protein sequence and biophysical properties (such as structural, functional, and spatial information, amino acid conservation, physicochemical variation, residue mobility, and thermodynamic stability) indicates that this missense variant is not expected to disrupt CDON protein function with a negative predictive value of 80%. In summary, the available evidence is currently insufficient to determine the role of this variant in disease. Therefore, it has been classified as a Variant of Uncertain Significance.

Laboratory of Genetics, Children's Clinical University Hospital Latvia
Classification: Likely benign. Last evaluated: 2025-02-16. Review status: criteria provided, single submitter. Criteria: ACMG Guidelines, 2015. Collection method: clinical testing. Allele origin: germline. Affected: yes.

Ambry Genetics
Classification: Likely benign for Inborn genetic diseases. Last evaluated: 2023-05-30. Review status: criteria provided, single submitter. Criteria: Ambry Variant Classification Scheme 2023. Collection method: clinical testing. Allele origin: germline.